The following is an entry in ClinVar:

NM_006259.3(PRKG2):c.2127-61CCTT[15]

Gene: PRKG2 (protein kinase cGMP-dependent 2; minus strand). Cytogenetic location: 4q21.21.
Variant type: Microsatellite.
Coding change: c.2127-61CCTT[15] on transcript NM_006259.3 (MANE Select); 15 copies in a row of the 4-base unit CCTT starting at c.2127-61; the reference has 12 copies in a row; three copies, 12 bases duplicated.
Molecular consequence: intron variant.
Genome position (GRCh38, 1-based): chr4:81,092,466-81,092,477, AAGGAAGGAAGG duplicated on the plus strand (CCTTCCTTCCTT on the coding strand, the reverse complement: PRKG2 is on the minus strand); duplicating any 12 consecutive bases within chr4:81,092,466-81,092,513 gives the same sequence; the position shown is the placement nearest the transcript's 3' end. VCF-style (leftmost placement, unchanged base first): chr4-81092465-A-AAAGGAAGGAAGG. GRCh37 (hg19) VCF-style: chr4-82013619-A-AAAGGAAGGAAGG.
Other names: c.780-61CCTT[15] (NM_001282482.1); c.687-61CCTT[15] (NM_001282483.1); c.867-61CCTT[15] (NM_001282481.1, NM_001282480.1); c.2040-61CCTT[15] (NM_001282485.2); c.2127-61CCTT[15] (NM_001363401.2); c.2127-25_2127-14dup12 (NM_006259.3).
Identifiers: ClinVar variation 2975909 (VCV002975909.3), dbSNP rs59866145, ClinGen allele CA100038960.

ClinVar aggregate classification (germline): Benign/Likely benign. Review status: criteria provided, multiple submitters, no conflicts (2 of 4 stars). 2 submissions from 2 submitters: Benign (1); Likely benign (1). Last evaluated 2026-06-04.

Submissions (2):

Women's Health and Genetics/Laboratory Corporation of America, LabCorp
Classification: Benign. Last evaluated: 2026-06-04. Review status: criteria provided, single submitter. Criteria: LabCorp Variant Classification Summary - May 2015. Collection method: clinical testing. Allele origin: germline.
Comment: Variant summary: PRKG2 c.2127-25_2127-14dup12 alters a nucleotide located at a position not widely known to affect splicing. Consensus agreement among computation tools predict no significant impact on normal splicing. However, these predictions have yet to be confirmed by functional studies. The variant allele was found at a frequency of 0.088 in 802528 control chromosomes in the gnomAD database, including 6203 homozygotes. The observed variant frequency exceeds the estimated maximal expected allele frequency for disease-causing variants in PRKG2. To our knowledge, no occurrence of c.2127-25_2127-14dup12 in individuals affected with PRKG2-related conditions and no experimental evidence demonstrating its impact on protein function have been reported. ClinVar contains an entry for this variant (Variation ID: 2975909). Based on the evidence outlined above, the variant was classified as benign.

Labcorp Genetics (formerly Invitae), Labcorp
Classification: Likely benign. Last evaluated: 2024-12-12. Review status: criteria provided, single submitter. Criteria: Invitae Variant Classification Sherloc (09022015). Collection method: clinical testing. Allele origin: germline.